The following is an entry in ClinVar:

ClinVar aggregate classification (germline): Benign. Review status: criteria provided, multiple submitters, no conflicts (2 of 4 stars). 4 submissions from 4 submitters: Benign (4). Last evaluated 2026-02-04.

Conditions:
Severe combined immunodeficiency due to CORO1A deficiency. Also called: Immunodeficiency 8; IMMUNODEFICIENCY 8 WITH LYMPHOPROLIFERATION. Identifiers: Orphanet 228003, MedGen C3809383, MONDO:0014168, OMIM 615401.

Allele frequency attached by ClinVar (database versions not stated): gnomAD exomes 0.08429; ExAC 0.09074; gnomAD 0.15534 and 0.16173; ESP Exome Variant Server 0.16631; 1000 Genomes Project 0.16773; TOPMed 0.16785; 1000 Genomes Project 30x 0.17739.
gnomAD v4.1: 116,802 of 1,613,230 alleles (7.2%); highest among the groups gnomAD compares: African/African-American, 41%; 9,233 homozygotes.

Submissions (4):

Labcorp Genetics (formerly Invitae), Labcorp
Classification: Benign for Severe combined immunodeficiency due to CORO1A deficiency. Last evaluated: 2026-02-04. Review status: criteria provided, single submitter. Criteria: Invitae Variant Classification Sherloc (09022015). Collection method: clinical testing. Allele origin: germline.

Women's Health and Genetics/Laboratory Corporation of America, LabCorp
Classification: Benign. Last evaluated: 2026-01-21. Review status: criteria provided, single submitter. Criteria: LabCorp Variant Classification Summary - May 2015. Collection method: clinical testing. Allele origin: germline.

GeneDx
Classification: Benign. Last evaluated: 2016-01-05. Review status: criteria provided, single submitter. Criteria: GeneDx Variant Classification (06012015). Collection method: clinical testing. Allele origin: germline. Affected: yes.
Comment: This variant is considered likely benign or benign based on one or more of the following criteria: it is a conservative change, it occurs at a poorly conserved position in the protein, it is predicted to be benign by multiple in silico algorithms, and/or has population frequency not consistent with disease.

Breakthrough Genomics
Classification: Benign. Review status: criteria provided, single submitter. Criteria: ACMG Guidelines, 2015. Collection method: not provided. Allele origin: germline. Inheritance: Autosomal recessive inheritance. Affected: yes.

NM_007074.4(CORO1A):c.1065+14G>A

Gene: CORO1A (coronin 1A; plus strand). Cytogenetic location: 16p11.2.
Variant type: single nucleotide variant.
Coding change: c.1065+14G>A on transcript NM_007074.4 (MANE Select); 14 bases into the intron after coding-DNA position 1065, G replaced by A.
Molecular consequence: intron variant.
Genome position (GRCh38, 1-based): chr16:30,188,263, G>A. VCF-style: chr16-30188263-G-A. GRCh37 (hg19) VCF-style: chr16-30199584-G-A.
Other names: c.1065+14G>A (NM_001193333.3).
Identifiers: ClinVar variation 379432 (VCV000379432.12), dbSNP rs35900366, ClinGen allele CA8003367.